The following is an entry in ClinVar:

NM_002519.3(NPAT):c.1940C>G (p.Thr647Arg)

Gene: NPAT (nuclear protein, coactivator of histone transcription; minus strand). Cytogenetic location: 11q22.3.
Variant type: single nucleotide variant.
Coding change: c.1940C>G on transcript NM_002519.3 (MANE Select); coding-DNA position 1940, C replaced by G.
Protein change: p.Thr647Arg; replaces threonine 647 with arginine.
Molecular consequence: missense variant.
Genome position (GRCh38, 1-based): chr11:108,173,044, G>C on the plus strand (C>G on the coding strand, the complement: NPAT is on the minus strand). VCF-style: chr11-108173044-G-C. GRCh37 (hg19) VCF-style: chr11-108043771-G-C.
Other names: c.1940C>G, p.Thr647Arg (NM_001321307.1); short protein forms T647R.
Identifiers: ClinVar variation 2587686 (VCV002587686.2), dbSNP rs2496719335, ClinGen allele CA382514026.

ClinVar aggregate classification (germline): Uncertain significance (1 of 4 stars; one submission).

Submission:

Ambry Genetics
Classification: Uncertain significance. Last evaluated: 2023-08-31. Review status: criteria provided, single submitter. Criteria: Ambry Variant Classification Scheme 2023. Collection method: clinical testing. Allele origin: germline.
Comment: The p.T647R variant (also known as c.1940C>G), located in coding exon 13 of the NPAT gene, results from a C to G substitution at nucleotide position 1940. The threonine at codon 647 is replaced by arginine, an amino acid with similar properties. This amino acid position is conserved. In addition, this alteration is predicted to be tolerated by in silico analysis. Since supporting evidence is limited at this time, the clinical significance of this alteration remains unclear.